The following is an entry in ClinVar:

NM_005909.5(MAP1B):c.6197A>G (p.Tyr2066Cys)

Gene: MAP1B (microtubule associated protein 1B; plus strand). Cytogenetic location: 5q13.2.
Variant type: single nucleotide variant.
Coding change: c.6197A>G on transcript NM_005909.5 (MANE Select); coding-DNA position 6197, A replaced by G.
Protein change: p.Tyr2066Cys; replaces tyrosine 2066 with cysteine.
Molecular consequence: missense variant.
Genome position (GRCh38, 1-based): chr5:72,199,552, A>G. VCF-style: chr5-72199552-A-G. GRCh37 (hg19) VCF-style: chr5-71495379-A-G.
Other names: c.5819A>G, p.Tyr1940Cys (NM_001324255.2); short protein forms Y1940C, Y2066C.
Identifiers: ClinVar variation 3367660 (VCV003367660.1).

ClinVar aggregate classification (germline): Uncertain significance (1 of 4 stars; one submission).

Submission:

GeneDx
Classification: Uncertain significance. Last evaluated: 2024-01-05. Review status: criteria provided, single submitter. Criteria: GeneDx Variant Classification Process June 2021. Collection method: clinical testing. Allele origin: germline. Affected: yes.
Comment: Not observed at significant frequency in large population cohorts (gnomAD); In silico analysis supports that this missense variant does not alter protein structure/function; Has not been previously published as pathogenic or benign to our knowledge